The following is an entry in ClinVar:

ClinVar aggregate classification (germline): Uncertain significance (1 of 4 stars; one submission).

Conditions:
Neuropathy, hereditary sensory and autonomic, type 2A (HSAN2A). Also called: ACROOSTEOLYSIS, GIACCAI TYPE; ACROOSTEOLYSIS, NEUROGENIC; MORVAN DISEASE; NEUROPATHY, CONGENITAL SENSORY; NEUROPATHY, HEREDITARY SENSORY RADICULAR, AUTOSOMAL RECESSIVE; NEUROPATHY, HEREDITARY SENSORY, TYPE IIA. Identifiers: Orphanet 970, MedGen C2752089, MONDO:0024309, OMIM 201300.
Pseudohypoaldosteronism type 2C (PHA2C). Also called: Pseudohypoaldosteronism Type IIC. Identifiers: Orphanet 757, Orphanet 88940, MedGen C1840391, MONDO:0013778, OMIM 614492.

gnomAD v4.1: 12 of 1,609,114 alleles (0.00075%); highest among the groups gnomAD compares: East Asian, 0.027%; no homozygotes.

Submission:

Labcorp Genetics (formerly Invitae), Labcorp
Classification: Uncertain significance for Neuropathy, hereditary sensory and autonomic, type 2A; Pseudohypoaldosteronism type 2C. Last evaluated: 2024-09-21. Review status: criteria provided, single submitter. Criteria: Invitae Variant Classification Sherloc (09022015). Collection method: clinical testing. Allele origin: germline.
Comment: This sequence change replaces glutamine, which is neutral and polar, with histidine, which is basic and polar, at codon 943 of the WNK1 protein (p.Gln943His). This variant is present in population databases (rs754731225, gnomAD 0.006%). This variant has not been reported in the literature in individuals affected with WNK1-related conditions. Invitae Evidence Modeling of protein sequence and biophysical properties (such as structural, functional, and spatial information, amino acid conservation, physicochemical variation, residue mobility, and thermodynamic stability) indicates that this missense variant is not expected to disrupt WNK1 protein function with a negative predictive value of 95%. In summary, the available evidence is currently insufficient to determine the role of this variant in disease. Therefore, it has been classified as a Variant of Uncertain Significance.

NM_213655.5(WNK1):c.2829G>C (p.Gln943His)

Gene: WNK1 (WNK lysine deficient protein kinase 1; plus strand). Cytogenetic location: 12p13.33.
Variant type: single nucleotide variant.
Coding change: c.2829G>C on transcript NM_213655.5 (MANE Plus Clinical); coding-DNA position 2829, G replaced by C.
Protein change: p.Gln943His; replaces glutamine 943 with histidine.
Molecular consequence: missense variant. On other transcripts: intron variant (2).
Genome position (GRCh38, 1-based): chr12:868,300, G>C. VCF-style: chr12-868300-G-C. GRCh37 (hg19) VCF-style: chr12-977466-G-C.
Other names: c.2574G>C, p.Gln858His (NM_001184985.2); c.2140-2965G>C (NM_018979.4, NM_014823.3); short protein forms Q858H, Q943H.
Identifiers: ClinVar variation 3761025 (VCV003761025.2).